The following is an entry in ClinVar:

ClinVar aggregate classification (germline): Likely pathogenic. Review status: criteria provided, multiple submitters, no conflicts (2 of 4 stars). 2 submissions from 2 submitters: Likely pathogenic (2). Last evaluated 2025-07-24.

Conditions:
Jeune thoracic dystrophy. Also called: Short-rib thoracic dysplasia; Jeune syndrome; Infantile thoracic dystrophy; Thoracic pelvic phalangeal dystrophy; Jeune's syndrome; Chondroectodermal dysplasia-like syndrome. Identifiers: Orphanet 474, MedGen C0265275, MONDO:0018770.
DYNC2H1-related disorder. Also called: DYNC2H1-related condition; DYNC2H1-related disorders. Identifiers: MedGen CN378770.

gnomAD v4.1: 1 of 1,612,322 alleles (0.000062%); highest among the groups gnomAD compares: Admixed American, 0.0017%; no homozygotes.

Submissions (2):

PreventionGenetics, part of Exact Sciences
Classification: Likely pathogenic for DYNC2H1-related condition. Last evaluated: 2025-07-24. Review status: criteria provided, single submitter. Criteria: ACMG Guidelines, 2015. Collection method: clinical testing. Allele origin: germline.
Comment: The DYNC2H1 c.2107-1G>A variant is predicted to disrupt the AG splice acceptor site and interfere with normal splicing. To our knowledge, this variant has not been reported the literature or in a large population database (gnomAD), indicating this variant is rare. Variants that disrupt the consensus splice acceptor site in DYNC2H1 are expected to be pathogenic. This variant is interpreted as likely pathogenic.

Labcorp Genetics (formerly Invitae), Labcorp
Classification: Likely pathogenic for Jeune thoracic dystrophy. Last evaluated: 2024-02-09. Review status: criteria provided, single submitter. Criteria: Invitae Variant Classification Sherloc (09022015). Collection method: clinical testing. Allele origin: germline.
Comment: This sequence change affects an acceptor splice site in intron 14 of the DYNC2H1 gene. It is expected to disrupt RNA splicing. Variants that disrupt the donor or acceptor splice site typically lead to a loss of protein function (PMID: 16199547), and loss-of-function variants in DYNC2H1 are known to be pathogenic (PMID: 23339108, 32753734, 33755199). This variant is not present in population databases (gnomAD no frequency). This variant has not been reported in the literature in individuals affected with DYNC2H1-related conditions. Algorithms developed to predict the effect of sequence changes on RNA splicing suggest that this variant may disrupt the consensus splice site. In summary, the currently available evidence indicates that the variant is pathogenic, but additional data are needed to prove that conclusively. Therefore, this variant has been classified as Likely Pathogenic.

Literature cited by the submitters: PubMed 16199547 (cited by Labcorp Genetics (formerly Invitae), Labcorp); PubMed 23339108 (cited by Labcorp Genetics (formerly Invitae), Labcorp); PubMed 32753734 (cited by Labcorp Genetics (formerly Invitae), Labcorp); PubMed 33755199 (cited by Labcorp Genetics (formerly Invitae), Labcorp).

NM_001377.3(DYNC2H1):c.2107-1G>A

Gene: DYNC2H1 (dynein cytoplasmic 2 heavy chain 1; plus strand). Cytogenetic location: 11q22.3.
Variant type: single nucleotide variant.
Coding change: c.2107-1G>A on transcript NM_001377.3 (MANE Select); the canonical splice acceptor site of the intron before coding-DNA position 2107, G replaced by A.
Molecular consequence: splice acceptor variant.
Genome position (GRCh38, 1-based): chr11:103,134,320, G>A. VCF-style: chr11-103134320-G-A. GRCh37 (hg19) VCF-style: chr11-103005049-G-A.
Other names: c.2107-1G>A (NM_001080463.2).
Identifiers: ClinVar variation 3703782 (VCV003703782.3), dbSNP rs1354433663.